The following is an entry in ClinVar:

ClinVar aggregate classification (germline): Pathogenic (1 of 4 stars; one submission).

Conditions:
Primary pulmonary hypertension. Also called: Idiopathic pulmonary hypertension. Identifiers: MedGen C0152171.

Submission:

Labcorp Genetics (formerly Invitae), Labcorp
Classification: Pathogenic for Primary pulmonary hypertension. Last evaluated: 2025-11-25. Review status: criteria provided, single submitter. Criteria: Invitae Variant Classification Sherloc (09022015). Collection method: clinical testing. Allele origin: germline.
Comment: This sequence change creates a premature translational stop signal (p.Gln238Ilefs*13) in the BMPR2 gene. It is expected to result in an absent or disrupted protein product. Loss-of-function variants in BMPR2 are known to be pathogenic (PMID: 16429395). This variant is not present in population databases (gnomAD no frequency). This variant has not been reported in the literature in individuals affected with BMPR2-related conditions. For these reasons, this variant has been classified as Pathogenic.

Literature cited by the submitters: PubMed 16429395.

NM_001204.7(BMPR2):c.709_712del (p.Gln238fs)

Gene: BMPR2 (bone morphogenetic protein receptor type 2; plus strand). Cytogenetic location: 2q33.2.
Variant type: Deletion.
Coding change: c.709_712del on transcript NM_001204.7 (MANE Select); coding-DNA positions 709 to 712, 4 bases deleted (CGTC; older notation c.709_712delCGTC).
Protein change: p.Gln238fs; shifts the reading frame from glutamine 238.
Molecular consequence: frameshift variant.
Genome position (GRCh38, 1-based): chr2:202,518,909-202,518,912, CGTC deleted; deleting any 4 consecutive bases within chr2:202,518,908-202,518,912 gives the same sequence; the c. name uses the placement nearest the transcript's 3' end. VCF-style (leftmost placement, unchanged base first): chr2-202518907-ACCGT-A. GRCh37 (hg19) VCF-style: chr2-203383630-ACCGT-A.
Other names: short protein forms Q238fs.
Identifiers: ClinVar variation 4731931 (VCV004731931.1).